The following is an entry in ClinVar:

ClinVar aggregate classification (germline): Benign/Likely benign. Review status: criteria provided, multiple submitters, no conflicts (2 of 4 stars). 2 submissions from 2 submitters: Benign (1); Likely benign (1). Last evaluated 2023-02-01.

Allele frequency attached by ClinVar (database versions not stated): 1000 Genomes Project 0.00319; gnomAD 0.00356 and 0.00359; 1000 Genomes Project 30x 0.00297; TOPMed 0.00362; ExAC 0.00383; gnomAD exomes 0.00391; ESP Exome Variant Server 0.00400.
gnomAD v4.1: 7,787 of 1,613,682 alleles (0.48%); highest among the groups gnomAD compares: Middle Eastern, 1.2%; 26 homozygotes.

Submissions (2):

CeGaT Center for Human Genetics Tuebingen
Classification: Likely benign. Last evaluated: 2023-02-01. Review status: criteria provided, single submitter. Criteria: CeGaT Center For Human Genetics Tuebingen Variant Classification Criteria Version 2. Collection method: clinical testing. Allele origin: germline. Affected: yes. Observed: 1 variant allele.
Comment: GPNMB: BP4, BP7, BS2

Labcorp Genetics (formerly Invitae), Labcorp
Classification: Benign. Last evaluated: 2019-12-31. Review status: criteria provided, single submitter. Criteria: Invitae Variant Classification Sherloc (09022015). Collection method: clinical testing. Allele origin: germline.

NM_002510.3(GPNMB):c.1647G>A (p.Pro549=)

Gene: GPNMB (glycoprotein nmb; plus strand). Cytogenetic location: 7p15.3.
Variant type: single nucleotide variant.
Coding change: c.1647G>A on transcript NM_002510.3 (MANE Select); coding-DNA position 1647, G replaced by A.
Protein change: p.Pro549=; no amino-acid change (proline 549 retained).
Molecular consequence: synonymous variant.
Genome position (GRCh38, 1-based): chr7:23,274,188, G>A. VCF-style: chr7-23274188-G-A. GRCh37 (hg19) VCF-style: chr7-23313807-G-A.
Other names: c.1683G>A, p.Pro561= (NM_001005340.2).
Identifiers: ClinVar variation 712644 (VCV000712644.28), dbSNP rs35439325, ClinGen allele CA4187832.